The following is an entry in ClinVar:

NM_021098.3(CACNA1H):c.6823G>T (p.Val2275Phe)

Gene: CACNA1H (calcium voltage-gated channel subunit alpha1 H; plus strand). Cytogenetic location: 16p13.3.
Variant type: single nucleotide variant.
Coding change: c.6823G>T on transcript NM_021098.3 (MANE Select); coding-DNA position 6823, G replaced by T.
Protein change: p.Val2275Phe; replaces valine 2275 with phenylalanine.
Molecular consequence: missense variant.
Genome position (GRCh38, 1-based): chr16:1,220,755, G>T. VCF-style: chr16-1220755-G-T. GRCh37 (hg19) VCF-style: chr16-1270755-G-T.
Other names: c.6805G>T, p.Val2269Phe (NM_001005407.2); short protein forms V2275F, V2269F.
Identifiers: ClinVar variation 2948161 (VCV002948161.3), dbSNP rs1970422245, ClinGen allele CA394150829.

ClinVar aggregate classification (germline): Uncertain significance (1 of 4 stars; one submission).

Conditions:
Hyperaldosteronism, familial, type IV (HALD4). Also called: FH IV; ALDOSTERONISM, PRIMARY, AND HYPERTENSION. Identifiers: Orphanet 642671, MedGen C4310756, MONDO:0014875, OMIM 617027.
Idiopathic generalized epilepsy. Also called: EIG; Generalised epilepsy. Identifiers: MedGen C0270850, MONDO:0005579, OMIM 600669.

Allele frequency attached by ClinVar (database versions not stated): gnomAD exomes below 0.00001; TOPMed 0.00001.
gnomAD v4.1: 2 of 1,612,594 alleles (0.00012%); highest among the groups gnomAD compares: East Asian, 0.0022%; no homozygotes.

Submission:

Labcorp Genetics (formerly Invitae), Labcorp
Classification: Uncertain significance for Idiopathic generalized epilepsy; Hyperaldosteronism, familial, type IV. Last evaluated: 2023-12-24. Review status: criteria provided, single submitter. Criteria: Invitae Variant Classification Sherloc (09022015). Collection method: clinical testing. Allele origin: germline.
Comment: This sequence change replaces valine, which is neutral and non-polar, with phenylalanine, which is neutral and non-polar, at codon 2275 of the CACNA1H protein (p.Val2275Phe). This variant is not present in population databases (gnomAD no frequency). This variant has not been reported in the literature in individuals affected with CACNA1H-related conditions. Advanced modeling of protein sequence and biophysical properties (such as structural, functional, and spatial information, amino acid conservation, physicochemical variation, residue mobility, and thermodynamic stability) performed at Invitae indicates that this missense variant is not expected to disrupt CACNA1H protein function with a negative predictive value of 95%. In summary, the available evidence is currently insufficient to determine the role of this variant in disease. Therefore, it has been classified as a Variant of Uncertain Significance.